The following is an entry in ClinVar:

NM_006397.3(RNASEH2A):c.615T>A (p.Asp205Glu)

Gene: RNASEH2A (ribonuclease H2 subunit A; plus strand). Cytogenetic location: 19p13.13.
Variant type: single nucleotide variant.
Coding change: c.615T>A on transcript NM_006397.3 (MANE Select); coding-DNA position 615, T replaced by A.
Protein change: p.Asp205Glu; replaces aspartic acid 205 with glutamic acid.
Molecular consequence: missense variant.
Genome position (GRCh38, 1-based): chr19:12,810,382, T>A. VCF-style: chr19-12810382-T-A. GRCh37 (hg19) VCF-style: chr19-12921196-T-A.
Other names: short protein forms D205E.
Identifiers: ClinVar variation 328291 (VCV000328291.20), dbSNP rs62619782, ClinGen allele CA9231971.
Genomic context (GRCh38, chr19:12,810,382, plus strand): 5'-CCGGGACCAGGCCGTGAAGAAATGGCAGTTCGTGGAGAAACTGCAGGACTTGGATACTGA[T>A]TATGGCTCAGGCTACCCCAATGGTGAGCAGACACGTGACCATGGTACTAATGTTGAAATG-3'
Protein context (NP_006388.2, residues 195-215): FVEKLQDLDT[Asp205Glu]YGSGYPNDPK

ClinVar aggregate classification (germline): Benign/Likely benign. Review status: criteria provided, multiple submitters, no conflicts (2 of 4 stars). 7 submissions from 7 submitters: Benign (5); Likely benign (2). Last evaluated 2026-02-04.

Conditions:
Aicardi-Goutieres syndrome 4. Identifiers: Orphanet 51, MedGen C1835912, MONDO:0012472, OMIM 610333.

Allele frequency attached by ClinVar (database versions not stated): 1000 Genomes Project 0.00839; 1000 Genomes Project 30x 0.00984; gnomAD exomes 0.01089; ExAC 0.01093; gnomAD 0.01618 and 0.01693; TOPMed 0.01778; ESP Exome Variant Server 0.01999.
gnomAD v4.1: 19,984 of 1,614,056 alleles (1.2%); highest among the groups gnomAD compares: Middle Eastern, 3.3%; 179 homozygotes.

Submissions (7):

Labcorp Genetics (formerly Invitae), Labcorp
Classification: Benign for Aicardi-Goutieres syndrome 4. Last evaluated: 2026-02-04. Review status: criteria provided, single submitter. Criteria: Invitae Variant Classification Sherloc (09022015). Collection method: clinical testing. Allele origin: germline.

Women's Health and Genetics/Laboratory Corporation of America, LabCorp
Classification: Likely benign. Last evaluated: 2026-01-22. Review status: criteria provided, single submitter. Criteria: LabCorp Variant Classification Summary - May 2015. Collection method: clinical testing. Allele origin: germline.

Blueprint Genetics
Classification: Likely benign. Last evaluated: 2024-11-28. Review status: criteria provided, single submitter. Criteria: ACMG Guidelines, 2015. Collection method: clinical testing. Allele origin: germline.

Athena Diagnostics
Classification: Benign. Last evaluated: 2024-01-03. Review status: criteria provided, single submitter. Criteria: Athena Diagnostics Criteria. Collection method: clinical testing. Allele origin: unknown.

Mayo Clinic Laboratories, Mayo Clinic
Classification: Benign. Last evaluated: 2023-12-20. Review status: criteria provided, single submitter. Criteria: ACMG Guidelines, 2015. Collection method: clinical testing. Allele origin: germline. Observed: 23 variant alleles.
Comment: BA1, BS2, BP4

Illumina Laboratory Services, Illumina
Classification: Benign for Aicardi-Goutieres syndrome 4. Last evaluated: 2018-01-13. Review status: criteria provided, single submitter. Criteria: ICSL Variant Classification Criteria 13 December 2019. Collection method: clinical testing. Allele origin: germline.
Comment: This variant was observed in the ICSL laboratory as part of a predisposition screen in an ostensibly healthy population. It had not been previously curated by ICSL or reported in the Human Gene Mutation Database (HGMD: prior to June 1st, 2018), and was therefore a candidate for classification through an automated scoring system. Utilizing variant allele frequency, disease prevalence and penetrance estimates, and inheritance mode, an automated score was calculated to assess if this variant is too frequent to cause the disease. Based on the score and internal cut-off values, a variant classified as benign is not then subjected to further curation. The score for this variant resulted in a classification of benign for this disease.

Breakthrough Genomics
Classification: Benign. Review status: criteria provided, single submitter. Criteria: ACMG Guidelines, 2015. Collection method: not provided. Allele origin: germline. Inheritance: Autosomal recessive inheritance. Affected: yes.

Literature cited by the submitters: PubMed 31529068 (cited by Athena Diagnostics); PubMed 31325311 (cited by Athena Diagnostics); PubMed 33353557 (cited by Athena Diagnostics); PubMed 25500883 (cited by Athena Diagnostics); PubMed 17846997 (cited by Athena Diagnostics).